The following is an entry in ClinVar:

NM_024301.5(FKRP):c.1213G>T (p.Val405Leu)

Gene: FKRP (fukutin related protein; plus strand). Cytogenetic location: 19q13.32.
Variant type: single nucleotide variant.
Coding change: c.1213G>T on transcript NM_024301.5 (MANE Select); coding-DNA position 1213, G replaced by T.
Protein change: p.Val405Leu; replaces valine 405 with leucine.
Molecular consequence: missense variant.
Genome position (GRCh38, 1-based): chr19:46,756,663, G>T. VCF-style: chr19-46756663-G-T. GRCh37 (hg19) VCF-style: chr19-47259920-G-T.
Other names: c.1213G>T, p.Val405Leu (NM_001039885.3); c.1213G>T (NM_024301.4); short protein forms V405L.
Identifiers: ClinVar variation 4227 (VCV000004227.5), dbSNP rs28937904, ClinGen allele CA116712.

ClinVar aggregate classification (germline): Likely pathogenic. Review status: criteria provided, multiple submitters, no conflicts (2 of 4 stars). 3 submissions from 3 submitters: Likely pathogenic (2). 1 of the submissions does not count toward it. Last evaluated 2025-02-20.

Conditions:
Muscular dystrophy-dystroglycanopathy type B5 (MDDGB5). Also called: MUSCULAR DYSTROPHY, CONGENITAL, 1C; MUSCULAR DYSTROPHY, CONGENITAL, FKRP-RELATED; MUSCULAR DYSTROPHY-DYSTROGLYCANOPATHY (CONGENITAL WITH OR WITHOUT IMPAIRED INTELLECTUAL DEVELOPMENT), TYPE B, 5. Identifiers: MedGen C1847759, MONDO:0011688, OMIM 606612.
Muscular dystrophy-dystroglycanopathy (congenital with brain and eye anomalies), type A5. Also called: WALKER-WARBURG SYNDROME OR MUSCLE-EYE-BRAIN DISEASE, FKRP-RELATED; MUSCULAR DYSTROPHY-DYSTROGLYCANOPATHY (CONGENITAL WITH BRAIN AND EYE ANOMALIES), TYPE A, 5. Identifiers: Orphanet 588, Orphanet 899, MedGen C3150413, MONDO:0013157, OMIM 613153.
Autosomal recessive limb-girdle muscular dystrophy type 2I. Also called: MUSCULAR DYSTROPHY-DYSTROGLYCANOPATHY, LIMB-GIRDLE, FRKP-RELATED; MUSCULAR DYSTROPHY, LIMB-GIRDLE, TYPE 2I; MUSCULAR DYSTROPHY-DYSTROGLYCANOPATHY (LIMB-GIRDLE), TYPE C, 5. Identifiers: Orphanet 34515, MedGen C1846672, MONDO:0011787, OMIM 607155.

Submissions (3):

Natera, Inc.
Classification: Likely pathogenic for Limb-girdle muscular dystrophy type 2I. Last evaluated: 2025-02-20. Review status: criteria provided, single submitter. Criteria: Natera Variant Classification Schema (03/2026). Collection method: clinical testing. Allele origin: germline.
Comment: The c.1213G>T variant in FKRP is a missense variant predicted to cause substitution of valine to leucine at amino acid 405. This variant is rare in the general population with a frequency below the threshold expected for the associated phenotype(s). This variant has been observed in one or more individuals affected with the associated recessive disease, as either homozygous or compound heterozygous with a second variant (PMID: 33146414, 14652796). This variant has been identified in one or more affected individuals with a phenotype highly consistent with the associated gene (PMID: 33146414). Computational prediction algorithms indicate this variant is likely to affect gene or protein function. Given the available evidence, this variant is classified as Likely Pathogenic.

Baylor Genetics
Classification: Likely pathogenic for Muscular dystrophy-dystroglycanopathy (congenital with brain and eye anomalies), type A5. Last evaluated: 2023-06-06. Review status: criteria provided, single submitter. Criteria: ACMG Guidelines, 2015. Collection method: clinical testing. Allele origin: unknown.

OMIM
Classification: Pathogenic for MUSCULAR DYSTROPHY-DYSTROGLYCANOPATHY (CONGENITAL WITH IMPAIRED INTELLECTUAL DEVELOPMENT), TYPE B, 5. Last evaluated: 2004-02-01. Review status: no assertion criteria provided. Collection method: literature only. Allele origin: germline. Not counted in ClinVar's aggregate classification.

Literature cited by the submitters: PubMed 33146414 (cited by Natera, Inc.); PubMed 14652796 (cited by Natera, Inc. and OMIM).